The following is an entry in ClinVar:

ClinVar aggregate classification (germline): Uncertain significance (1 of 4 stars; one submission).

Conditions:
ALG6-congenital disorder of glycosylation 1C (CDG1C). Also called: CARBOHYDRATE-DEFICIENT GLYCOPROTEIN SYNDROME, TYPE I, WITH DEFICIENT GLYCOSYLATION OF DOLICHOL-LINKED OLIGOSACCHARIDE; CARBOHYDRATE-DEFICIENT GLYCOPROTEIN SYNDROME, TYPE V; Congenital disorder of glycosylation type 1C; Congenital disorder of glycosylation, type Ic; CDG Ic. Identifiers: Orphanet 79320, MedGen C2930997, MONDO:0011291, OMIM 603147.

Submission:

Labcorp Genetics (formerly Invitae), Labcorp
Classification: Uncertain significance for ALG6-congenital disorder of glycosylation 1C. Last evaluated: 2022-05-03. Review status: criteria provided, single submitter. Criteria: Invitae Variant Classification Sherloc (09022015). Collection method: clinical testing. Allele origin: germline.
Comment: In summary, the available evidence is currently insufficient to determine the role of this variant in disease. Therefore, it has been classified as a Variant of Uncertain Significance. Algorithms developed to predict the effect of missense changes on protein structure and function output the following: SIFT: "Tolerated"; PolyPhen-2: "Benign"; Align-GVGD: "Class C0". The leucine amino acid residue is found in multiple mammalian species, which suggests that this missense change does not adversely affect protein function. This variant has not been reported in the literature in individuals affected with ALG6-related conditions. This variant is not present in population databases (gnomAD no frequency). This sequence change replaces phenylalanine, which is neutral and non-polar, with leucine, which is neutral and non-polar, at codon 282 of the ALG6 protein (p.Phe282Leu).

NM_013339.4(ALG6):c.846C>G (p.Phe282Leu)

Gene: ALG6 (ALG6 alpha-1,3-glucosyltransferase; plus strand). Cytogenetic location: 1p31.3.
Variant type: single nucleotide variant.
Coding change: c.846C>G on transcript NM_013339.4 (MANE Select); coding-DNA position 846, C replaced by G.
Protein change: p.Phe282Leu; replaces phenylalanine 282 with leucine.
Molecular consequence: missense variant.
Genome position (GRCh38, 1-based): chr1:63,414,090, C>G. VCF-style: chr1-63414090-C-G. GRCh37 (hg19) VCF-style: chr1-63879761-C-G.
Other names: short protein forms F282L.
Identifiers: ClinVar variation 2132775 (VCV002132775.4), dbSNP rs1484642852, ClinGen allele CA340636479.